The following is an entry in ClinVar:

NM_001130438.3(SPTAN1):c.807T>C (p.Ser269=)

Gene: SPTAN1 (spectrin alpha, non-erythrocytic 1; plus strand). Cytogenetic location: 9q34.11.
Variant type: single nucleotide variant.
Coding change: c.807T>C on transcript NM_001130438.3 (MANE Select); coding-DNA position 807, T replaced by C.
Protein change: p.Ser269=; no amino-acid change (serine 269 retained).
Molecular consequence: synonymous variant.
Genome position (GRCh38, 1-based): chr9:128,577,150, T>C. VCF-style: chr9-128577150-T-C. GRCh37 (hg19) VCF-style: chr9-131339429-T-C.
Other names: c.807T>C, p.Ser269= (NM_001375314.2, NM_003127.4, NM_001195532.2 and 5 more transcripts); c.843T>C, p.Ser281= (NM_001375318.1, NM_001375312.2).
Identifiers: ClinVar variation 2659538 (VCV002659538.26), dbSNP rs773459701, ClinGen allele CA5264262.

ClinVar aggregate classification (germline): Likely benign. Review status: criteria provided, multiple submitters, no conflicts (2 of 4 stars). 2 submissions from 2 submitters: Likely benign (2). Last evaluated 2024-10-27.

Conditions:
Early-infantile DEE. Also called: Early infantile epileptic encephalopathy; Ohtahara syndrome; Early infantile epileptic encephalopathy with suppression bursts. Identifiers: Orphanet 1934, MedGen C0393706, MONDO:0800491.

Allele frequency attached by ClinVar (database versions not stated): ExAC 0.00001; gnomAD exomes 0.00001; TOPMed 0.00001.
gnomAD v4.1: 8 of 1,614,022 alleles (0.0005%); highest among the groups gnomAD compares: Non-Finnish European, 0.00068%; no homozygotes.

Submissions (2):

Labcorp Genetics (formerly Invitae), Labcorp
Classification: Likely benign for Early-infantile DEE. Last evaluated: 2024-10-27. Review status: criteria provided, single submitter. Criteria: Invitae Variant Classification Sherloc (09022015). Collection method: clinical testing. Allele origin: germline.

CeGaT Center for Human Genetics Tuebingen
Classification: Likely benign. Last evaluated: 2022-09-01. Review status: criteria provided, single submitter. Criteria: CeGaT Center For Human Genetics Tuebingen Variant Classification Criteria Version 2. Collection method: clinical testing. Allele origin: germline. Affected: yes. Observed: 1 variant allele.
Comment: SPTAN1: BP4, BP7